The following is an entry in ClinVar:

ClinVar aggregate classification (germline): Uncertain significance (1 of 4 stars; one submission).

Conditions:
VPS13B-related disorder. Also called: VPS13B-related condition.

gnomAD v4.1: 2 of 1,613,984 alleles (0.00012%); highest among the groups gnomAD compares: Admixed American, 0.0033%; no homozygotes.

Submission:

PreventionGenetics, part of Exact Sciences
Classification: Uncertain significance for VPS13B-related condition. Last evaluated: 2026-04-28. Review status: criteria provided, single submitter. Criteria: ACMG Guidelines, 2015. Collection method: clinical testing. Allele origin: germline.
Comment: The VPS13B c.2135T>A variant is predicted to result in the amino acid substitution p.Val712Glu. To our knowledge, this variant has not been reported in the literature. This variant is reported in 0.0056% of alleles in individuals of Latino descent in gnomAD. At this time, the clinical significance of this variant is uncertain due to the absence of conclusive functional and genetic evidence.

NM_152564.5(VPS13B):c.2135T>A (p.Val712Glu)

Gene: VPS13B (vacuolar protein sorting 13 homolog B; plus strand). Cytogenetic location: 8q22.2.
Variant type: single nucleotide variant.
Coding change: c.2135T>A on transcript NM_152564.5 (MANE Select); coding-DNA position 2135, T replaced by A.
Protein change: p.Val712Glu; replaces valine 712 with glutamic acid.
Molecular consequence: missense variant.
Genome position (GRCh38, 1-based): chr8:99,156,670, T>A. VCF-style: chr8-99156670-T-A. GRCh37 (hg19) VCF-style: chr8-100168898-T-A.
Other names: c.2135T>A, p.Val712Glu (NM_015243.3, NM_017890.5); short protein forms V712E.
Identifiers: ClinVar variation 4979827 (VCV004979827.1).